The following is an entry in ClinVar:

NM_001080453.3(INTS1):c.1824C>T (p.Tyr608=)

Gene: INTS1 (integrator complex subunit 1; minus strand). Cytogenetic location: 7p22.3.
Variant type: single nucleotide variant.
Coding change: c.1824C>T on transcript NM_001080453.3 (MANE Select); coding-DNA position 1824, C replaced by T.
Protein change: p.Tyr608=; no amino-acid change (tyrosine 608 retained).
Molecular consequence: synonymous variant.
Genome position (GRCh38, 1-based): chr7:1,495,441, G>A on the plus strand (C>T on the coding strand, the complement: INTS1 is on the minus strand). VCF-style: chr7-1495441-G-A. GRCh37 (hg19) VCF-style: chr7-1535077-G-A.
Identifiers: ClinVar variation 752502 (VCV000752502.28), dbSNP rs180741809, ClinGen allele CA4120143.

ClinVar aggregate classification (germline): Benign/Likely benign. Review status: criteria provided, multiple submitters, no conflicts (2 of 4 stars). 3 submissions from 3 submitters: Benign (1); Likely benign (2). Last evaluated 2024-06-01.

Allele frequency attached by ClinVar (database versions not stated): gnomAD exomes 0.00016 and 0.00032; TOPMed 0.00023; gnomAD 0.00024 and 0.00026; ExAC 0.00029; 1000 Genomes Project 30x 0.00031; 1000 Genomes Project 0.00040; ESP Exome Variant Server 0.00040.
gnomAD v4.1: 299 of 1,611,422 alleles (0.019%); highest among the groups gnomAD compares: Middle Eastern, 0.2%; 2 homozygotes.

Submissions (3):

CeGaT Center for Human Genetics Tuebingen
Classification: Likely benign. Last evaluated: 2024-06-01. Review status: criteria provided, single submitter. Criteria: CeGaT Center For Human Genetics Tuebingen Variant Classification Criteria Version 2. Collection method: clinical testing. Allele origin: germline. Affected: yes. Observed: 3 variant alleles.
Comment: INTS1: BP4, BP7

Blueprint Genetics
Classification: Likely benign. Last evaluated: 2024-04-30. Review status: criteria provided, single submitter. Criteria: ACMG Guidelines, 2015. Collection method: clinical testing. Allele origin: germline.

Labcorp Genetics (formerly Invitae), Labcorp
Classification: Benign. Last evaluated: 2018-07-11. Review status: criteria provided, single submitter. Criteria: Invitae Variant Classification Sherloc (09022015). Collection method: clinical testing. Allele origin: germline.